The following is an entry in ClinVar:

NM_058216.3(RAD51C):c.837+7A>G

Gene: RAD51C (RAD51 paralog C; plus strand). Cytogenetic location: 17q22.
Variant type: single nucleotide variant.
Coding change: c.837+7A>G on transcript NM_058216.3 (MANE Select); 7 bases into the intron after coding-DNA position 837, A replaced by G.
Molecular consequence: intron variant.
Genome position (GRCh38, 1-based): chr17:58,709,997, A>G. VCF-style: chr17-58709997-A-G. GRCh37 (hg19) VCF-style: chr17-56787358-A-G.
Identifiers: ClinVar variation 538794 (VCV000538794.11), dbSNP rs1555599293, ClinGen allele CA658798914.

ClinVar aggregate classification (germline): Likely benign. Review status: criteria provided, multiple submitters, no conflicts (2 of 4 stars). 2 submissions from 2 submitters: Likely benign (2). Last evaluated 2025-02-19.

Conditions:
Breast-ovarian cancer, familial, susceptibility to, 3. Also called: RAD51C-Related Breast/Ovarian Cancer. Identifiers: Orphanet 145, MedGen C3150659, MONDO:0013253, OMIM 613399.
Fanconi anemia complementation group O. Also called: RAD51C-Related Fanconi Anemia. Identifiers: Orphanet 84, MedGen C3150653, MONDO:0013248, OMIM 613390.

Submissions (2):

Myriad Genetics, Inc.
Classification: Likely benign for Breast-ovarian cancer, familial, susceptibility to, 3. Last evaluated: 2025-02-19. Review status: criteria provided, single submitter. Criteria: Myriad Autosomal Dominant, Autosomal Recessive and X-Linked Classification Criteria (2023). Collection method: clinical testing. Allele origin: unknown.
Comment: This variant is considered likely benign. This variant is intronic and is not expected to impact mRNA splicing.

Labcorp Genetics (formerly Invitae), Labcorp
Classification: Likely benign for Fanconi anemia complementation group O. Last evaluated: 2022-01-28. Review status: criteria provided, single submitter. Criteria: Invitae Variant Classification Sherloc (09022015). Collection method: clinical testing. Allele origin: germline.